The following is an entry in ClinVar:

ClinVar aggregate classification (germline): Benign/Likely benign. Review status: criteria provided, multiple submitters, no conflicts (2 of 4 stars). 5 submissions from 5 submitters: Benign (1); Likely benign (3). 1 of the submissions does not count toward it. Last evaluated 2025-04-14.

Conditions:
CUL4B-related disorder. Also called: CUL4B-related condition.
X-linked intellectual disability Cabezas type (MRXSC). Also called: MENTAL RETARDATION, X-LINKED, SYNDROMIC 15; Intellectual developmental disorder, X-linked syndromic, Cabezas type; CABEZAS SYNDROME. Identifiers: Orphanet 85289, Orphanet 85293, MedGen C1845861, MONDO:0010306, OMIM 300354.

Allele frequency attached by ClinVar (database versions not stated): 1000 Genomes Project 30x 0.00021; gnomAD exomes 0.00032 and 0.00043; TOPMed 0.00017; gnomAD 0.00021 and 0.00022; ExAC 0.00052; 1000 Genomes Project 0.00026; ESP Exome Variant Server 0.00057.
gnomAD v4.1: 364 of 1,197,465 alleles (0.03%); highest among the groups gnomAD compares: South Asian, 0.23%; no homozygotes.

Submissions (5):

Labcorp Genetics (formerly Invitae), Labcorp
Classification: Benign for X-linked intellectual disability Cabezas type. Last evaluated: 2025-04-14. Review status: criteria provided, single submitter. Criteria: Invitae Variant Classification Sherloc (09022015). Collection method: clinical testing. Allele origin: germline.

Blueprint Genetics
Classification: Likely benign. Last evaluated: 2024-05-21. Review status: criteria provided, single submitter. Criteria: ACMG Guidelines, 2015. Collection method: clinical testing. Allele origin: germline.

CeGaT Center for Human Genetics Tuebingen
Classification: Likely benign. Last evaluated: 2023-11-01. Review status: criteria provided, single submitter. Criteria: CeGaT Center For Human Genetics Tuebingen Variant Classification Criteria Version 2. Collection method: clinical testing. Allele origin: germline. Affected: yes. Observed: 1 variant allele.
Comment: CUL4B: BP4, BS2

GeneDx
Classification: Likely benign. Last evaluated: 2018-01-23. Review status: criteria provided, single submitter. Criteria: GeneDx Variant Classification (06012015). Collection method: clinical testing. Allele origin: germline. Affected: yes.
Comment: This variant is considered likely benign or benign based on one or more of the following criteria: it is a conservative change, it occurs at a poorly conserved position in the protein, it is predicted to be benign by multiple in silico algorithms, and/or has population frequency not consistent with disease.

PreventionGenetics, part of Exact Sciences
Classification: Likely benign for CUL4B-related condition. Last evaluated: 2020-10-08. Review status: no assertion criteria provided. Collection method: clinical testing. Allele origin: germline. Not counted in ClinVar's aggregate classification.
Comment: This variant is classified as likely benign based on ACMG/AMP sequence variant interpretation guidelines (Richards et al. 2015 PMID: 25741868, with internal and published modifications).

NM_003588.4(CUL4B):c.65G>A (p.Gly22Asp)

Gene: CUL4B (cullin 4B; minus strand). Cytogenetic location: Xq24.
Variant type: single nucleotide variant.
Coding change: c.65G>A on transcript NM_003588.4; coding-DNA position 65, G replaced by A.
Protein change: p.Gly22Asp; replaces glycine 22 with aspartic acid.
Molecular consequence: missense variant.
Genome position (GRCh38, 1-based): chrX:120,574,553, C>T on the plus strand (G>A on the coding strand, the complement: CUL4B is on the minus strand). VCF-style: chrX-120574553-C-T. GRCh37 (hg19) VCF-style: chrX-119708408-C-T.
Other names: short protein forms G22D.
Identifiers: ClinVar variation 516844 (VCV000516844.32), dbSNP rs145808703, ClinGen allele CA10505798.
Genomic context (GRCh38, chrX:120,574,553, plus strand): 5'-CGGCCTGTTAACAATTATTTAGACTTAACTCTTGAGTTTTACTAGTTCATTTACTCACCA[C>T]CGTCTTTAGAGGTAGTAGCCTCATCATCATTCCCATCTCCTGATCCAGATGACTGTGACA-3'